The following is an entry in ClinVar:

NM_004456.5(EZH2):c.1797G>A (p.Trp599Ter)

Gene: EZH2 (enhancer of zeste 2 polycomb repressive complex 2 subunit; minus strand). Cytogenetic location: 7q36.1.
Variant type: single nucleotide variant.
Coding change: c.1797G>A on transcript NM_004456.5 (MANE Select); coding-DNA position 1797, G replaced by A.
Protein change: p.Trp599Ter; replaces tryptophan 599 with a stop codon.
Molecular consequence: nonsense.
Genome position (GRCh38, 1-based): chr7:148,814,013, C>T on the plus strand (G>A on the coding strand, the complement: EZH2 is on the minus strand). VCF-style: chr7-148814013-C-T. GRCh37 (hg19) VCF-style: chr7-148511105-C-T.
Other names: c.1782G>A, p.Trp594Ter (NM_001203247.2); c.1755G>A, p.Trp585Ter (NM_001203248.2); c.1629G>A, p.Trp543Ter (NM_001203249.2); c.1665G>A, p.Trp555Ter (NM_152998.3); short protein forms W543*, W555*, W585*, W594*, W599*.
Identifiers: ClinVar variation 3906370 (VCV003906370.1).

ClinVar aggregate classification (germline): Uncertain significance (1 of 4 stars; one submission).

Submission:

GeneDx
Classification: Uncertain significance. Last evaluated: 2024-12-19. Review status: criteria provided, single submitter. Criteria: GeneDx Variant Classification Process June 2021. Collection method: clinical testing. Allele origin: germline. Affected: yes.
Comment: Not observed at significant frequency in large population cohorts (gnomAD); Nonsense variant predicted to result in protein truncation or nonsense mediated decay in a gene or region of a gene for which loss of function is not a well-established mechanism of disease; Has not been previously published as pathogenic or benign to our knowledge